The following is an entry in ClinVar:

NM_007294.4(BRCA1):c.3244G>A (p.Ala1082Thr)

Genes: BRCA1 (BRCA1 DNA repair associated; minus strand), LOC126862571 (BRD4-independent group 4 enhancer GRCh37_chr17:41243136-41244335; plus strand). Cytogenetic location: 17q21.31.
Variant type: single nucleotide variant.
Coding change: c.3244G>A on transcript NM_007294.4 (MANE Select); coding-DNA position 3244, G replaced by A.
Protein change: p.Ala1082Thr; replaces alanine 1082 with threonine.
Molecular consequence: missense variant. On other transcripts: intron variant (137).
Genome position (GRCh38, 1-based): chr17:43,092,287, C>T on the plus strand (G>A on the coding strand, the complement: BRCA1 is on the minus strand). VCF-style: chr17-43092287-C-T. GRCh37 (hg19) VCF-style: chr17-41244304-C-T.
Other names: c.3244G>A, p.Ala1082Thr (NM_001407602.1, NM_001407603.1, NM_001407605.1 and 30 more transcripts); c.3241G>A, p.Ala1081Thr (NM_001407610.1, NM_001407611.1, NM_001407612.1 and 22 more transcripts); c.3235G>A, p.Ala1079Thr (NM_001407646.1, NM_001407647.1); c.3121G>A, p.Ala1041Thr (NM_001407648.1, NM_001407664.1, NM_001407665.1 and 19 more transcripts); c.3118G>A, p.Ala1040Thr (NM_001407649.1, NM_001407670.1, NM_001407671.1 and 11 more transcripts); c.3166G>A, p.Ala1056Thr (NM_001407653.1, NM_001407654.1, NM_001407655.1 and 4 more transcripts); c.3163G>A, p.Ala1055Thr (NM_001407659.1, NM_001407660.1, NM_001407661.1 and 1 more transcripts); c.3103G>A, p.Ala1035Thr (NM_001407692.1, NM_001407694.1, NM_001407695.1 and 29 more transcripts); and 41 more; short protein forms A1082T, A1035T, A1011T, A1041T, A1056T, A1081T, A994T, A1015T.
Identifiers: ClinVar variation 565971 (VCV000565971.13), dbSNP rs779459487, ClinGen allele CA058031.
Genomic context (GRCh38, chr17:43,092,287, plus strand): 5'-TACTTCCAGGAAGACTTTGTTTATAGACCTCAGGTTGCAAAACCCCTAATCTAAGCATAG[C>T]ATTCAATTTTGGCCCTCTGTTTCTACCTAGTTCTGCTTGAATGTTTTCATCACTGGAACC-3'
Protein context (NP_009225.1, residues 1072-1092): LGRNRGPKLN[Ala1082Thr]MLRLGVLQPE

ClinVar aggregate classification (germline): Conflicting classifications of pathogenicity. Review status: criteria provided, conflicting classifications (1 of 4 stars). 3 submissions from 3 submitters: Uncertain significance (2); Likely benign (1). Last evaluated 2025-07-14.

Conditions:
Hereditary cancer-predisposing syndrome. Also called: Hereditary neoplastic syndrome; Neoplastic Syndromes, Hereditary; Tumor predisposition; Hereditary Cancer Syndrome. Identifiers: Orphanet 140162, MedGen C0027672, MeSH D009386, MONDO:0015356.
Hereditary breast ovarian cancer syndrome. Also called: BRCA1- and BRCA2-Associated Hereditary Breast and Ovarian Cancer; Hereditary breast and ovarian cancer syndrome; Hereditary breast and ovarian cancer; Hereditary breast and ovarian cancer syndrome (HBOC); Hereditary breast and/or ovarian cancer syndrome; Breast and ovarian cancer. Identifiers: Orphanet 145, MedGen C0677776, MeSH D061325, MONDO:0003582. Disease mechanism: loss of function.

Allele frequency attached by ClinVar (database versions not stated): ExAC 0.00001.
gnomAD v4.1: 2 of 1,613,912 alleles (0.00012%); highest among the groups gnomAD compares: Non-Finnish European, 0.000085%; no homozygotes.

Submissions (3):

Ambry Genetics
Classification: Uncertain significance for Hereditary cancer-predisposing syndrome. Last evaluated: 2025-07-14. Review status: criteria provided, single submitter. Criteria: Ambry Variant Classification Scheme 2023. Collection method: clinical testing. Allele origin: germline.
Comment: The p.A1082T variant (also known as c.3244G>A), located in coding exon 9 of the BRCA1 gene, results from a G to A substitution at nucleotide position 3244. The alanine at codon 1082 is replaced by threonine, an amino acid with similar properties. This amino acid position is conserved. In addition, the in silico prediction for this alteration is inconclusive. Based on the available evidence, the clinical significance of this variant remains unclear.

University of Washington Department of Laboratory Medicine, University of Washington
Classification: Likely benign for Hereditary cancer-predisposing syndrome. Last evaluated: 2023-03-23. Review status: criteria provided, single submitter. Criteria: Dines et al. (Genet Med. 2020). Collection method: curation. Allele origin: germline.
Comment: Missense variant in a coldspot region where missense variants are very unlikely to be pathogenic (PMID:31911673).

BRCA1 coldspot (exon 11 using historical exon numbering). Reclassification based on statistical prior probability

Labcorp Genetics (formerly Invitae), Labcorp
Classification: Uncertain significance for Hereditary breast ovarian cancer syndrome. Last evaluated: 2018-02-14. Review status: criteria provided, single submitter. Criteria: Invitae Variant Classification Sherloc (09022015). Collection method: clinical testing. Allele origin: germline.
Comment: In summary, the available evidence is currently insufficient to determine the role of this variant in disease. Therefore, it has been classified as a Variant of Uncertain Significance. Algorithms developed to predict the effect of missense changes on protein structure and function output the following: SIFT: "Tolerated"; PolyPhen-2: "Probably Damaging"; Align-GVGD: "Class C0". The threonine amino acid residue is found in multiple mammalian species, suggesting that this missense change does not adversely affect protein function. These predictions have not been confirmed by published functional studies and their clinical significance is uncertain. This variant has not been reported in the literature in individuals with BRCA1-related disease. This variant is present in population databases (rs779459487, ExAC 0.02%). This sequence change replaces alanine with threonine at codon 1082 of the BRCA1 protein (p.Ala1082Thr). The alanine residue is moderately conserved and there is a small physicochemical difference between alanine and threonine.